The following is an entry in ClinVar:

NM_002292.4(LAMB2):c.1357C>T (p.Arg453Cys)

Gene: LAMB2 (laminin subunit beta 2; minus strand). Cytogenetic location: 3p21.31.
Variant type: single nucleotide variant.
Coding change: c.1357C>T on transcript NM_002292.4 (MANE Select); coding-DNA position 1357, C replaced by T.
Protein change: p.Arg453Cys; replaces arginine 453 with cysteine.
Molecular consequence: missense variant.
Genome position (GRCh38, 1-based): chr3:49,129,887, G>A on the plus strand (C>T on the coding strand, the complement: LAMB2 is on the minus strand). VCF-style: chr3-49129887-G-A. GRCh37 (hg19) VCF-style: chr3-49167320-G-A.
Other names: short protein forms R453C.
Identifiers: ClinVar variation 346005 (VCV000346005.9), dbSNP rs765252703, ClinGen allele CA2394625.
Genomic context (GRCh38, chr3:49,129,887, plus strand): 5'-GGAGACACATACGCCGGCAGCCCAGACGGTCACTGATGCTGAGCCCAAAGAAGCCATCAC[G>A]GCATTGCTGGCAGCGAGTGCCCACCACATGTTCTTTGCAGCGACACTGGCCGGAGACCAG-3'
Protein context (NP_002283.3, residues 443-463): HVVGTRCQQC[Arg453Cys]DGFFGLSISD

ClinVar aggregate classification (germline): Uncertain significance. Review status: criteria provided, multiple submitters, no conflicts (2 of 4 stars). 4 submissions from 3 submitters: Uncertain significance (4). Last evaluated 2024-01-18.

Conditions:
LAMB2-related infantile-onset nephrotic syndrome. Also called: NEPHROTIC SYNDROME, TYPE 5, WITHOUT OCULAR ABNORMALITIES; NEPHROTIC SYNDROME, TYPE 5, WITH OCULAR ABNORMALITIES; Nephrotic Syndrome, type 5. Identifiers: Orphanet 306507, MedGen C3280113, MONDO:0013621, OMIM 614199.
Pierson syndrome. Also called: MICROCORIA-CONGENITAL NEPHROTIC SYNDROME. Identifiers: Orphanet 2670, MedGen C1836876, MONDO:0012184, OMIM 609049.

Allele frequency attached by ClinVar (database versions not stated): gnomAD 0.00001 and 0.00002; TOPMed 0.00002; gnomAD exomes 0.00005 and 0.00007; ExAC 0.00007.
gnomAD v4.1: 80 of 1,613,868 alleles (0.005%); highest among the groups gnomAD compares: South Asian, 0.042%; no homozygotes.

Submissions (4):

Fulgent Genetics
Classification: Uncertain significance for Pierson syndrome; LAMB2-related infantile-onset nephrotic syndrome. Last evaluated: 2024-01-18. Review status: criteria provided, single submitter. Criteria: ACMG Guidelines, 2015. Collection method: clinical testing. Allele origin: germline.

Labcorp Genetics (formerly Invitae), Labcorp
Classification: Uncertain significance for LAMB2-related infantile-onset nephrotic syndrome; Pierson syndrome. Last evaluated: 2022-11-02. Review status: criteria provided, single submitter. Criteria: Invitae Variant Classification Sherloc (09022015). Collection method: clinical testing. Allele origin: germline.
Comment: This sequence change replaces arginine, which is basic and polar, with cysteine, which is neutral and slightly polar, at codon 453 of the LAMB2 protein (p.Arg453Cys). This variant is present in population databases (rs765252703, gnomAD 0.05%). This variant has not been reported in the literature in individuals affected with LAMB2-related conditions. ClinVar contains an entry for this variant (Variation ID: 346005). Algorithms developed to predict the effect of missense changes on protein structure and function (SIFT, PolyPhen-2, Align-GVGD) all suggest that this variant is likely to be disruptive. In summary, the available evidence is currently insufficient to determine the role of this variant in disease. Therefore, it has been classified as a Variant of Uncertain Significance.

Illumina Laboratory Services, Illumina
Classification: Uncertain significance for LAMB2-related infantile-onset nephrotic syndrome. Last evaluated: 2018-01-12. Review status: criteria provided, single submitter. Criteria: ICSL Variant Classification Criteria 13 December 2019. Collection method: clinical testing. Allele origin: germline.

Illumina Laboratory Services, Illumina
Classification: Uncertain significance for Pierson syndrome. Last evaluated: 2018-01-12. Review status: criteria provided, single submitter. Criteria: ICSL Variant Classification Criteria 13 December 2019. Collection method: clinical testing. Allele origin: germline.